The following is an entry in ClinVar:

NM_022787.4(NMNAT1):c.610T>G (p.Trp204Gly)

Gene: NMNAT1 (nicotinamide nucleotide adenylyltransferase 1; plus strand). Cytogenetic location: 1p36.22.
Variant type: single nucleotide variant.
Coding change: c.610T>G on transcript NM_022787.4 (MANE Select); coding-DNA position 610, T replaced by G.
Protein change: p.Trp204Gly; replaces tryptophan 204 with glycine.
Molecular consequence: missense variant.
Genome position (GRCh38, 1-based): chr1:9,982,471, T>G. VCF-style: chr1-9982471-T-G. GRCh37 (hg19) VCF-style: chr1-10042529-T-G.
Other names: c.610T>G, p.Trp204Gly (NM_001297778.1); short protein forms W204G.
Identifiers: ClinVar variation 1024985 (VCV001024985.5), dbSNP rs1641969880, ClinGen allele CA338686884.

ClinVar aggregate classification (germline): Uncertain significance (1 of 4 stars; one submission).

Conditions:
Leber congenital amaurosis 9 (LCA9). Also called: LCA9 Leber Congenital Amaurosis; LCA 9; Amaurosis congenita of Leber, type 9. Identifiers: Orphanet 65, MedGen C1837873, MONDO:0012056, OMIM 608553.

Submission:

Labcorp Genetics (formerly Invitae), Labcorp
Classification: Uncertain significance for Leber congenital amaurosis 9. Last evaluated: 2020-01-31. Review status: criteria provided, single submitter. Criteria: Invitae Variant Classification Sherloc (09022015). Collection method: clinical testing. Allele origin: germline.
Comment: In summary, the available evidence is currently insufficient to determine the role of this variant in disease. Therefore, it has been classified as a Variant of Uncertain Significance. Algorithms developed to predict the effect of missense changes on protein structure and function are either unavailable or do not agree on the potential impact of this missense change (SIFT: "Deleterious"; PolyPhen-2: "Probably Damaging"; Align-GVGD: "Class C0"). This variant has been observed in individual(s) with clinical features of Leber congenital amaurosis (Invitae). In at least one individual the data is consistent with the variant being in trans (on the opposite chromosome) from a pathogenic variant. This variant is not present in population databases (ExAC no frequency). This sequence change replaces tryptophan with glycine at codon 204 of the NMNAT1 protein (p.Trp204Gly). The tryptophan residue is moderately conserved and there is a large physicochemical difference between tryptophan and glycine.